The following is an entry in ClinVar:

ClinVar aggregate classification (germline): Uncertain significance (1 of 4 stars; one submission).

gnomAD v4.1: 1 of 1,611,370 alleles (0.000062%); highest among the groups gnomAD compares: Non-Finnish European, 0.000085%; no homozygotes.

Submission:

Labcorp Genetics (formerly Invitae), Labcorp
Classification: Uncertain significance. Last evaluated: 2024-04-22. Review status: criteria provided, single submitter. Criteria: Invitae Variant Classification Sherloc (09022015). Collection method: clinical testing. Allele origin: germline.
Comment: This sequence change replaces isoleucine, which is neutral and non-polar, with valine, which is neutral and non-polar, at codon 417 of the IFT81 protein (p.Ile417Val). This variant is not present in population databases (gnomAD no frequency). This variant has not been reported in the literature in individuals affected with IFT81-related conditions. ClinVar contains an entry for this variant (Variation ID: 1714376). Advanced modeling of protein sequence and biophysical properties (such as structural, functional, and spatial information, amino acid conservation, physicochemical variation, residue mobility, and thermodynamic stability) performed at Invitae indicates that this missense variant is not expected to disrupt IFT81 protein function with a negative predictive value of 80%. Algorithms developed to predict the effect of sequence changes on RNA splicing suggest that this variant may create or strengthen a splice site. In summary, the available evidence is currently insufficient to determine the role of this variant in disease. Therefore, it has been classified as a Variant of Uncertain Significance.

NM_014055.4(IFT81):c.1249A>G (p.Ile417Val)

Gene: IFT81 (intraflagellar transport 81; plus strand). Cytogenetic location: 12q24.11.
Variant type: single nucleotide variant.
Coding change: c.1249A>G on transcript NM_014055.4 (MANE Select); coding-DNA position 1249, A replaced by G.
Protein change: p.Ile417Val; replaces isoleucine 417 with valine.
Molecular consequence: missense variant. On other transcripts: non-coding transcript variant (4).
Genome position (GRCh38, 1-based): chr12:110,180,482, A>G. VCF-style: chr12-110180482-A-G. GRCh37 (hg19) VCF-style: chr12-110618287-A-G.
Other names: c.1249A>G, p.Ile417Val (NM_001143779.2); c.319A>G, p.Ile107Val (NM_001347947.2, NM_001347948.2); short protein forms I107V, I417V.
Identifiers: ClinVar variation 1714376 (VCV001714376.5), dbSNP rs1217263833, ClinGen allele CA386916810.